The following is an entry in ClinVar:

ClinVar aggregate classification (germline): Uncertain significance (1 of 4 stars; one submission).

Conditions:
Hereditary cancer-predisposing syndrome. Also called: Neoplastic Syndromes, Hereditary; Tumor predisposition; Hereditary Cancer Syndrome; Hereditary neoplastic syndrome. Identifiers: Orphanet 140162, MedGen C0027672, MeSH D009386, MONDO:0015356.

Submission:

Ambry Genetics
Classification: Uncertain significance for Hereditary cancer-predisposing syndrome. Last evaluated: 2022-06-20. Review status: criteria provided, single submitter. Criteria: Ambry Variant Classification Scheme 2023. Collection method: clinical testing. Allele origin: germline.
Comment: The p.A341V variant (also known as c.1022C>T), located in coding exon 6 of the PDGFRA gene, results from a C to T substitution at nucleotide position 1022. The alanine at codon 341 is replaced by valine, an amino acid with similar properties. This amino acid position is conserved. In addition, the in silico prediction for this alteration is inconclusive. Since supporting evidence is limited at this time, the clinical significance of this alteration remains unclear.

NM_006206.6(PDGFRA):c.1022C>T (p.Ala341Val)

Gene: PDGFRA (platelet derived growth factor receptor alpha; plus strand). Cytogenetic location: 4q12.
Variant type: single nucleotide variant.
Coding change: c.1022C>T on transcript NM_006206.6 (MANE Select); coding-DNA position 1022, C replaced by T.
Protein change: p.Ala341Val; replaces alanine 341 with valine.
Molecular consequence: missense variant.
Genome position (GRCh38, 1-based): chr4:54,267,642, C>T. VCF-style: chr4-54267642-C-T. GRCh37 (hg19) VCF-style: chr4-55133809-C-T.
Other names: c.1022C>T, p.Ala341Val (NM_001347827.2, NM_001347829.2); c.1097C>T, p.Ala366Val (NM_001347828.2); c.1061C>T, p.Ala354Val (NM_001347830.2); short protein forms A341V, A354V, A366V.
Identifiers: ClinVar variation 1763726 (VCV001763726.2), dbSNP rs2475455891, ClinGen allele CA356891629.